The following is an entry in ClinVar:

ClinVar aggregate classification (germline): Likely benign. Review status: criteria provided, multiple submitters, no conflicts (2 of 4 stars). 2 submissions from 2 submitters: Likely benign (2). Last evaluated 2025-03-05.

Conditions:
NPHP4-related disorder. Also called: NPHP4-related disorders; NPHP4-related condition. Identifiers: MedGen CN239384.
Nephronophthisis. Also called: Juvenile Nephronophthisis. Identifiers: Orphanet 655, MedGen C0687120, MONDO:0019005, HP:0000090.

Allele frequency attached by ClinVar (database versions not stated): TOPMed below 0.00001.
gnomAD v4.1: 8 of 1,613,948 alleles (0.0005%); highest among the groups gnomAD compares: Middle Eastern, 0.016%; no homozygotes.

Submissions (2):

PreventionGenetics, part of Exact Sciences
Classification: Likely benign for NPHP4-related condition. Last evaluated: 2025-03-05. Review status: criteria provided, single submitter. Criteria: ACMG Guidelines, 2015. Collection method: clinical testing. Allele origin: germline.
Comment: This variant is classified as likely benign based on ACMG/AMP sequence variant interpretation guidelines (Richards et al. 2015 PMID: 25741868, with internal and published modifications).

Labcorp Genetics (formerly Invitae), Labcorp
Classification: Likely benign for Nephronophthisis. Last evaluated: 2022-08-15. Review status: criteria provided, single submitter. Criteria: Invitae Variant Classification Sherloc (09022015). Collection method: clinical testing. Allele origin: germline.

NM_015102.5(NPHP4):c.1086C>T (p.Tyr362=)

Gene: NPHP4 (nephrocystin 4; minus strand). Cytogenetic location: 1p36.31.
Variant type: single nucleotide variant.
Coding change: c.1086C>T on transcript NM_015102.5 (MANE Select); coding-DNA position 1086, C replaced by T.
Protein change: p.Tyr362=; no amino-acid change (tyrosine 362 retained).
Molecular consequence: synonymous variant. On other transcripts: 5 prime UTR variant (2), non-coding transcript variant (1).
Genome position (GRCh38, 1-based): chr1:5,947,137, G>A on the plus strand (C>T on the coding strand, the complement: NPHP4 is on the minus strand). VCF-style: chr1-5947137-G-A. GRCh37 (hg19) VCF-style: chr1-6007197-G-A.
Other names: c.-281C>T (NM_001291593.2, NM_001291594.2); c.1086C>T (NM_015102.4).
Identifiers: ClinVar variation 1648241 (VCV001648241.9), dbSNP rs762252256, ClinGen allele CA554648.